The following is an entry in ClinVar:

ClinVar aggregate classification (germline): Uncertain significance. Review status: criteria provided, multiple submitters, no conflicts (2 of 4 stars). 4 submissions from 4 submitters: Uncertain significance (3). 1 of the submissions does not count toward it. Last evaluated 2024-02-12.

Conditions:
Neuromuscular disease caused by qualitative or quantitative defects of dysferlin. Also called: Qualitative or quantitative defects of dysferlin; Dysferlinopathy. Identifiers: Orphanet 207073, MedGen C2931687, MONDO:0016145.
Inborn genetic diseases. Identifiers: MedGen C0950123, MeSH D030342.
Autosomal recessive limb-girdle muscular dystrophy type 2B (LGMDR2). Also called: Limb-Girdle Muscular Dystrophy Type 2B (LGMD2B); Limb-girdle muscular dystrophy, type 2B; MUSCULAR DYSTROPHY, LIMB-GIRDLE, AUTOSOMAL RECESSIVE 2; MUSCULAR DYSTROPHY, LIMB-GIRDLE, TYPE 3. Identifiers: Orphanet 268, MedGen C1850889, MONDO:0009676, OMIM 253601.

Allele frequency attached by ClinVar (database versions not stated): TOPMed below 0.00001; ExAC 0.00001; gnomAD 0.00001; gnomAD exomes 0.00003.
gnomAD v4.1: 46 of 1,614,002 alleles (0.0029%); highest among the groups gnomAD compares: Non-Finnish European, 0.0037%; no homozygotes.

Submissions (4):

Blueprint Genetics
Classification: Uncertain significance. Last evaluated: 2024-02-12. Review status: criteria provided, single submitter. Criteria: ACMG Guidelines, 2015. Collection method: clinical testing. Allele origin: germline.

Labcorp Genetics (formerly Invitae), Labcorp
Classification: Uncertain significance for Neuromuscular disease caused by qualitative or quantitative defects of dysferlin. Last evaluated: 2022-10-13. Review status: criteria provided, single submitter. Criteria: Invitae Variant Classification Sherloc (09022015). Collection method: clinical testing. Allele origin: germline.
Comment: This sequence change replaces valine, which is neutral and non-polar, with methionine, which is neutral and non-polar, at codon 1765 of the DYSF protein (p.Val1765Met). This variant is not present in population databases (gnomAD no frequency). This variant has not been reported in the literature in individuals affected with DYSF-related conditions. ClinVar contains an entry for this variant (Variation ID: 1024849). Advanced modeling of protein sequence and biophysical properties (such as structural, functional, and spatial information, amino acid conservation, physicochemical variation, residue mobility, and thermodynamic stability) has been performed at Invitae for this missense variant, however the output from this modeling did not meet the statistical confidence thresholds required to predict the impact of this variant on DYSF protein function. In summary, the available evidence is currently insufficient to determine the role of this variant in disease. Therefore, it has been classified as a Variant of Uncertain Significance.

Ambry Genetics
Classification: Uncertain significance for Inborn genetic diseases. Last evaluated: 2022-06-29. Review status: criteria provided, single submitter. Criteria: Ambry Variant Classification Scheme 2023. Collection method: clinical testing. Allele origin: germline.

Natera, Inc.
Classification: Uncertain significance for Limb-girdle muscular dystrophy type 2B. Last evaluated: 2021-06-29. Review status: no assertion criteria provided. Collection method: clinical testing. Allele origin: germline. Not counted in ClinVar's aggregate classification.

NM_001130987.2(DYSF):c.5410G>A (p.Val1804Met)

Gene: DYSF (dysferlin; plus strand). Cytogenetic location: 2p13.2.
Variant type: single nucleotide variant.
Coding change: c.5410G>A on transcript NM_001130987.2 (MANE Select); coding-DNA position 5410, G replaced by A.
Protein change: p.Val1804Met; replaces valine 1804 with methionine.
Molecular consequence: missense variant.
Genome position (GRCh38, 1-based): chr2:71,667,468, G>A. VCF-style: chr2-71667468-G-A. GRCh37 (hg19) VCF-style: chr2-71894598-G-A.
Other names: c.5296G>A, p.Val1766Met (NM_001130455.2); c.5251G>A, p.Val1751Met (NM_001130976.2); c.5314G>A, p.Val1772Met (NM_001130977.2); c.5356G>A, p.Val1786Met (NM_001130978.2); c.5386G>A, p.Val1796Met (NM_001130979.2); c.5344G>A, p.Val1782Met (NM_001130980.2); c.5407G>A, p.Val1803Met (NM_001130981.2); c.5389G>A, p.Val1797Met (NM_001130982.2); and 6 more; short protein forms V1751M, V1752M, V1765M, V1766M, V1772M, V1773M, V1782M, V1783M.
Identifiers: ClinVar variation 1024849 (VCV001024849.7), dbSNP rs773089790, ClinGen allele CA1707353.